The following is an entry in ClinVar:

NM_001370259.2(MEN1):c.234T>C (p.Phe78=)

Gene: MEN1 (menin 1; minus strand). Cytogenetic location: 11q13.1.
Variant type: single nucleotide variant.
Coding change: c.234T>C on transcript NM_001370259.2 (MANE Select); coding-DNA position 234, T replaced by C.
Protein change: p.Phe78=; no amino-acid change (phenylalanine 78 retained).
Molecular consequence: synonymous variant.
Genome position (GRCh38, 1-based): chr11:64,809,876, A>G on the plus strand (T>C on the coding strand, the complement: MEN1 is on the minus strand). VCF-style: chr11-64809876-A-G. GRCh37 (hg19) VCF-style: chr11-64577348-A-G.
Other names: c.234T>C, p.Phe78= (NM_000244.4, NM_001370251.2, NM_001370260.2 and 9 more transcripts).
Identifiers: ClinVar variation 1159553 (VCV001159553.17), dbSNP rs2136188387, ClinGen allele CA475163784.

ClinVar aggregate classification (germline): Likely benign. Review status: criteria provided, multiple submitters, no conflicts (2 of 4 stars). 2 submissions from 2 submitters: Likely benign (2). Last evaluated 2025-08-01.

Conditions:
Multiple endocrine neoplasia, type 1 (MEN1). Also called: MEN I; WERMER SYNDROME; MEA I; Endocrine adenomatosis multiple; MEN 1. Identifiers: Orphanet 652, MedGen C0025267, MeSH D018761, MONDO:0007540, OMIM 131100.

Submissions (2):

CeGaT Center for Human Genetics Tuebingen
Classification: Likely benign. Last evaluated: 2025-08-01. Review status: criteria provided, single submitter. Criteria: CeGaT Center For Human Genetics Tuebingen Variant Classification Criteria Version 2. Collection method: clinical testing. Allele origin: germline. Affected: yes. Observed: 1 variant allele.
Comment: MEN1: PM2:Supporting, BP4, BP7

Labcorp Genetics (formerly Invitae), Labcorp
Classification: Likely benign for Multiple endocrine neoplasia, type 1. Last evaluated: 2022-01-27. Review status: criteria provided, single submitter. Criteria: Invitae Variant Classification Sherloc (09022015). Collection method: clinical testing. Allele origin: germline.